The following is an entry in ClinVar:

NM_024570.4(RNASEH2B):c.511-1G>A

Gene: RNASEH2B (ribonuclease H2 subunit B; plus strand). Cytogenetic location: 13q14.3.
Variant type: single nucleotide variant.
Coding change: c.511-1G>A on transcript NM_024570.4 (MANE Select); the canonical splice acceptor site of the intron before coding-DNA position 511, G replaced by A.
Molecular consequence: splice acceptor variant.
Genome position (GRCh38, 1-based): chr13:50,945,426, G>A. VCF-style: chr13-50945426-G-A. GRCh37 (hg19) VCF-style: chr13-51519562-G-A.
Other names: c.511-1G>A (NM_001142279.2, NM_001411023.1).
Identifiers: ClinVar variation 2902183 (VCV002902183.4), dbSNP rs944032875, ClinGen allele CA249998217.
Genomic context (GRCh38, chr13:50,945,426, plus strand): 5'-TCATAGATTTCTAAAGTTAAGTTGAAAATACCCTGCCTTTCCCCTCTTGGTTGCTTCATA[G>A]GTTAATCAAACTGTGGCAGCATTAAAAACCAATAATGTGAATGTCAGTTCCCGGGTACAG-3'

ClinVar aggregate classification (germline): Pathogenic/Likely pathogenic. Review status: criteria provided, multiple submitters, no conflicts (2 of 4 stars). 2 submissions from 2 submitters: Pathogenic (1); Likely pathogenic (1). Last evaluated 2025-04-18.

Conditions:
Aicardi-Goutieres syndrome 2. Identifiers: Orphanet 51, MedGen C3489724, MONDO:0012429, OMIM 610181.

Allele frequency attached by ClinVar (database versions not stated): TOPMed below 0.00001.
gnomAD v4.1: 2 of 1,608,358 alleles (0.00012%); highest among the groups gnomAD compares: Admixed American, 0.0017%; no homozygotes.

Submissions (2):

Labcorp Genetics (formerly Invitae), Labcorp
Classification: Likely pathogenic for Aicardi-Goutieres syndrome 2. Last evaluated: 2025-04-18. Review status: criteria provided, single submitter. Criteria: Invitae Variant Classification Sherloc (09022015). Collection method: clinical testing. Allele origin: germline.
Comment: This sequence change affects an acceptor splice site in intron 6 of the RNASEH2B gene. It is expected to disrupt RNA splicing. Variants that disrupt the donor or acceptor splice site typically lead to a loss of protein function (PMID: 16199547), and loss-of-function variants in RNASEH2B are known to be pathogenic (PMID: 17846997). This variant is present in population databases (no rsID available, gnomAD 0.003%). This variant has not been reported in the literature in individuals affected with RNASEH2B-related conditions. ClinVar contains an entry for this variant (Variation ID: 2902183). Algorithms developed to predict the effect of sequence changes on RNA splicing suggest that this variant may disrupt the consensus splice site. In summary, the currently available evidence indicates that the variant is pathogenic, but additional data are needed to prove that conclusively. Therefore, this variant has been classified as Likely Pathogenic.

Laboratorio de Genetica e Diagnostico Molecular, Hospital Israelita Albert Einstein
Classification: Pathogenic for Aicardi-Goutieres syndrome 2. Last evaluated: 2025-01-09. Review status: criteria provided, single submitter. Criteria: ACMG Guidelines, 2015. Collection method: clinical testing. Allele origin: germline. Affected: yes.
Comment: ACMG classification criteria: PVS1 very strong, PM2 supporting, PM3 moderate

Literature cited by the submitters: PubMed 16199547 (cited by Labcorp Genetics (formerly Invitae), Labcorp); PubMed 17846997 (cited by Labcorp Genetics (formerly Invitae), Labcorp).